The following is an entry in ClinVar:

NM_006231.4(POLE):c.5390G>A (p.Ser1797Asn)

Gene: POLE (DNA polymerase epsilon, catalytic subunit; minus strand). Cytogenetic location: 12q24.33.
Variant type: single nucleotide variant.
Coding change: c.5390G>A on transcript NM_006231.4 (MANE Select); coding-DNA position 5390, G replaced by A.
Protein change: p.Ser1797Asn; replaces serine 1797 with asparagine.
Molecular consequence: missense variant.
Genome position (GRCh38, 1-based): chr12:132,639,287, C>T on the plus strand (G>A on the coding strand, the complement: POLE is on the minus strand). VCF-style: chr12-132639287-C-T. GRCh37 (hg19) VCF-style: chr12-133215873-C-T.
Other names: c.5390G>A (NM_006231.2); short protein forms S1797N.
Identifiers: ClinVar variation 405593 (VCV000405593.9), dbSNP rs749755939, ClinGen allele CA6892531.

ClinVar aggregate classification (germline): Uncertain significance. Review status: criteria provided, multiple submitters, no conflicts (2 of 4 stars). 2 submissions from 2 submitters: Uncertain significance (2). Last evaluated 2024-03-01.

Conditions:
Hereditary cancer-predisposing syndrome. Also called: Hereditary Cancer Syndrome; Hereditary neoplastic syndrome; Neoplastic Syndromes, Hereditary; Tumor predisposition. Identifiers: Orphanet 140162, MedGen C0027672, MeSH D009386, MONDO:0015356.

Allele frequency attached by ClinVar (database versions not stated): gnomAD exomes below 0.00001; ExAC 0.00001.
gnomAD v4.1: 1 of 1,613,934 alleles (0.000062%); highest among the groups gnomAD compares: Non-Finnish European, 0.000085%; no homozygotes.

Submissions (2):

Ambry Genetics
Classification: Uncertain significance for Hereditary cancer-predisposing syndrome. Last evaluated: 2024-03-01. Review status: criteria provided, single submitter. Criteria: Ambry Variant Classification Scheme 2023. Collection method: clinical testing. Allele origin: germline.
Comment: The p.S1797N variant (also known as c.5390G>A), located in coding exon 40 of the POLE gene, results from a G to A substitution at nucleotide position 5390. The serine at codon 1797 is replaced by asparagine, an amino acid with highly similar properties. This amino acid position is conserved. In addition, this alteration is predicted to be tolerated by in silico analysis. Based on the available evidence, the clinical significance of this alteration remains unclear.

Labcorp Genetics (formerly Invitae), Labcorp
Classification: Uncertain significance. Last evaluated: 2023-01-19. Review status: criteria provided, single submitter. Criteria: Invitae Variant Classification Sherloc (09022015). Collection method: clinical testing. Allele origin: germline.
Comment: In summary, the available evidence is currently insufficient to determine the role of this variant in disease. Therefore, it has been classified as a Variant of Uncertain Significance. Advanced modeling of protein sequence and biophysical properties (such as structural, functional, and spatial information, amino acid conservation, physicochemical variation, residue mobility, and thermodynamic stability) performed at Invitae indicates that this missense variant is not expected to disrupt POLE protein function. ClinVar contains an entry for this variant (Variation ID: 405593). This variant has not been reported in the literature in individuals affected with POLE-related conditions. This variant is present in population databases (rs749755939, gnomAD 0.0009%). This sequence change replaces serine, which is neutral and polar, with asparagine, which is neutral and polar, at codon 1797 of the POLE protein (p.Ser1797Asn).